The following is an entry in ClinVar:

ClinVar aggregate classification (germline): Benign (1 of 4 stars; one submission).

Submission:

ISCA site 4
Classification: Benign. Last evaluated: 2011-08-12. Review status: criteria provided, single submitter. Criteria: Kaminsky et al. (Genet Med. 2011). Collection method: clinical testing. Allele origin: unknown. Affected: yes. Observed: 1 variant allele.
Comment: Copy number variation identified through the course of routine clinical cytogenomic testing in postnatal populations. Clinical assertions have been curated as described in Kaminsky et al. 2011.

GRCh38/hg38 14q32.33(chr14:106714051-106855263)x1

Genes: IGH (immunoglobulin heavy locus; minus strand), IGHV1-69 (immunoglobulin heavy variable 1-69; minus strand), IGHV1-69-2 (immunoglobulin heavy variable 1-69-2; minus strand), IGHV1-69D (immunoglobulin heavy variable 1-69D; minus strand), IGHV2-70 (immunoglobulin heavy variable 2-70; minus strand) and 6 more. Cytogenetic location: 14q32.33.
Variant type: copy number loss.
Change: copy number 1 (one copy instead of two) of chr14:106,714,051-106,855,263 (141.2 kb, GRCh38 coordinates, 1-based), cytogenetic band 14q32.33.
Identifiers: ClinVar variation 59841 (VCV000059841.1).